The following is an entry in ClinVar:

NM_022081.6(HPS4):c.*751G>A

Gene: HPS4 (HPS4 biogenesis of lysosomal organelles complex 3 subunit 2; minus strand). Cytogenetic location: 22q12.1.
Variant type: single nucleotide variant.
Coding change: c.*751G>A on transcript NM_022081.6 (MANE Select); 751 bases downstream of the stop codon, G replaced by A.
Molecular consequence: 3 prime UTR variant. On other transcripts: non-coding transcript variant (7), intron variant (2).
Genome position (GRCh38, 1-based): chr22:26,452,482, C>T on the plus strand (G>A on the coding strand, the complement: HPS4 is on the minus strand). VCF-style: chr22-26452482-C-T. GRCh37 (hg19) VCF-style: chr22-26848448-C-T.
Other names: c.*751G>A (NM_001349900.2, NM_001349901.1, NM_152841.2 and 3 more transcripts); c.*686G>A (NM_001349902.1, NM_001349903.2); c.1955+5377G>A (NM_001349905.1, NM_001349904.2).
Identifiers: ClinVar variation 340995 (VCV000340995.6), dbSNP rs190837977, ClinGen allele CA10653971.

ClinVar aggregate classification (germline): Likely benign. Review status: criteria provided, multiple submitters, no conflicts (2 of 4 stars). 2 submissions from 2 submitters: Likely benign (2). Last evaluated 2018-01-13.

Conditions:
Hermansky-Pudlak syndrome 4 (HPS4). Identifiers: Orphanet 231500, Orphanet 79430, MedGen C3484357, MONDO:0013556, OMIM 614073.

Allele frequency attached by ClinVar (database versions not stated): gnomAD 0.00039 and 0.00045; TOPMed 0.00046; 1000 Genomes Project 30x 0.00187; 1000 Genomes Project 0.00200.
gnomAD v4.1: 158 of 414,336 alleles (0.038%); highest among the groups gnomAD compares: East Asian, 0.88%; 1 homozygote.

Submissions (2):

Illumina Laboratory Services, Illumina
Classification: Likely benign for Hermansky-Pudlak syndrome 4. Last evaluated: 2018-01-13. Review status: criteria provided, single submitter. Criteria: ICSL Variant Classification Criteria 13 December 2019. Collection method: clinical testing. Allele origin: germline.
Comment: This variant was observed in the ICSL laboratory as part of a predisposition screen in an ostensibly healthy population. It had not been previously curated by ICSL or reported in the Human Gene Mutation Database (HGMD: prior to June 1st, 2018), and was therefore a candidate for classification through an automated scoring system. Utilizing variant allele frequency, disease prevalence and penetrance estimates, and inheritance mode, an automated score was calculated to assess if this variant is too frequent to cause the disease. Based on the score and internal cut-off values, a variant classified as likely benign is not then subjected to further curation. The score for this variant resulted in a classification of likely benign for this disease.

Breakthrough Genomics
Classification: Likely benign. Review status: criteria provided, single submitter. Criteria: ACMG Guidelines, 2015. Collection method: not provided. Allele origin: germline. Inheritance: Autosomal recessive inheritance. Affected: yes.